The following is an entry in ClinVar:

ClinVar aggregate classification (germline): Uncertain significance (1 of 4 stars; one submission).

Submission:

Labcorp Genetics (formerly Invitae), Labcorp
Classification: Uncertain significance. Last evaluated: 2024-05-28. Review status: criteria provided, single submitter. Criteria: Invitae Variant Classification Sherloc (09022015). Collection method: clinical testing. Allele origin: germline.
Comment: This sequence change replaces valine, which is neutral and non-polar, with leucine, which is neutral and non-polar, at codon 532 of the WFS1 protein (p.Val532Leu). This variant is present in population databases (rs757881722, gnomAD 0.006%). This variant has not been reported in the literature in individuals affected with WFS1-related conditions. Advanced modeling of protein sequence and biophysical properties (such as structural, functional, and spatial information, amino acid conservation, physicochemical variation, residue mobility, and thermodynamic stability) performed at Invitae indicates that this missense variant is not expected to disrupt WFS1 protein function with a negative predictive value of 95%. In summary, the available evidence is currently insufficient to determine the role of this variant in disease. Therefore, it has been classified as a Variant of Uncertain Significance.

NM_006005.3(WFS1):c.1594G>T (p.Val532Leu)

Gene: WFS1 (wolframin ER transmembrane glycoprotein; plus strand). Cytogenetic location: 4p16.1.
Variant type: single nucleotide variant.
Coding change: c.1594G>T on transcript NM_006005.3 (MANE Select); coding-DNA position 1594, G replaced by T.
Protein change: p.Val532Leu; replaces valine 532 with leucine.
Molecular consequence: missense variant.
Genome position (GRCh38, 1-based): chr4:6,301,389, G>T. VCF-style: chr4-6301389-G-T. GRCh37 (hg19) VCF-style: chr4-6303116-G-T.
Other names: c.1594G>T, p.Val532Leu (NM_001145853.1); short protein forms V532L.
Identifiers: ClinVar variation 3667405 (VCV003667405.2).